The following is an entry in ClinVar:

NM_001191061.2(SLC25A22):c.202+1G>A

Gene: SLC25A22 (solute carrier family 25 member 22; minus strand). Cytogenetic location: 11p15.5.
Variant type: single nucleotide variant.
Coding change: c.202+1G>A on transcript NM_001191061.2 (MANE Select); the canonical splice donor site of the intron after coding-DNA position 202, G replaced by A.
Molecular consequence: splice donor variant.
Genome position (GRCh38, 1-based): chr11:794,457, C>T on the plus strand (G>A on the coding strand, the complement: SLC25A22 is on the minus strand). VCF-style: chr11-794457-C-T. GRCh37 (hg19) VCF-style: chr11-794457-C-T.
Other names: c.202+1G>A (NM_001191060.2, NM_024698.6).
Identifiers: ClinVar variation 1349233 (VCV001349233.9), dbSNP rs1287249801, ClinGen allele CA378921209.
Genomic context (GRCh38, chr11:794,457, plus strand): 5'-CCACGACTCGCGGGCGCTACCCAGGCCTGCCCATATCGAGCCCAGCCGAGCCAAACCTCA[C>T]CCCGGTACATGCCGAAGTAGCCCTCGGAGCGGACGGTCTTGATGAGGCAGTCGGACCTGT-3'

ClinVar aggregate classification (germline): Likely pathogenic (1 of 4 stars; one submission).

Conditions:
Early-infantile DEE. Also called: Early infantile epileptic encephalopathy; Early infantile epileptic encephalopathy with suppression bursts; Ohtahara syndrome. Identifiers: Orphanet 1934, MedGen C0393706, MONDO:0800491.

Allele frequency attached by ClinVar (database versions not stated): gnomAD exomes below 0.00001.

Submission:

Labcorp Genetics (formerly Invitae), Labcorp
Classification: Likely pathogenic for Early-infantile DEE. Last evaluated: 2022-03-19. Review status: criteria provided, single submitter. Criteria: Invitae Variant Classification Sherloc (09022015). Collection method: clinical testing. Allele origin: germline.
Comment: This variant has not been reported in the literature in individuals affected with SLC25A22-related conditions. This variant is not present in population databases (gnomAD no frequency). This sequence change affects a donor splice site in intron 4 of the SLC25A22 gene. It is expected to disrupt RNA splicing. Variants that disrupt the donor or acceptor splice site typically lead to a loss of protein function (PMID: 16199547), and loss-of-function variants in SLC25A22 are known to be pathogenic (PMID: 15592994, 19780765). Algorithms developed to predict the effect of sequence changes on RNA splicing suggest that this variant may disrupt the consensus splice site. In summary, the currently available evidence indicates that the variant is pathogenic, but additional data are needed to prove that conclusively. Therefore, this variant has been classified as Likely Pathogenic.

Literature cited by the submitters: PubMed 16199547; PubMed 15592994; PubMed 19780765.